The following is an entry in ClinVar:

ClinVar aggregate classification (germline): Uncertain significance (1 of 4 stars; one submission).

Conditions:
Bardet-Biedl syndrome (BBS). Identifiers: Orphanet 110, MedGen C0752166, MONDO:0015229.

Submission:

Labcorp Genetics (formerly Invitae), Labcorp
Classification: Uncertain significance for Bardet-Biedl syndrome. Last evaluated: 2022-05-06. Review status: criteria provided, single submitter. Criteria: Invitae Variant Classification Sherloc (09022015). Collection method: clinical testing. Allele origin: germline.
Comment: In summary, the available evidence is currently insufficient to determine the role of this variant in disease. Therefore, it has been classified as a Variant of Uncertain Significance. Algorithms developed to predict the effect of missense changes on protein structure and function are either unavailable or do not agree on the potential impact of this missense change (SIFT: "Not Available"; PolyPhen-2: "Probably Damaging"; Align-GVGD: "Not Available"). This variant has not been reported in the literature in individuals affected with BBS12-related conditions. Information on the frequency of this variant in the gnomAD database is not available, as this variant may be reported differently in the database. This sequence change replaces valine, which is neutral and non-polar, with lysine, which is basic and polar, at codon 680 of the BBS12 protein (p.Val680Lys).

NM_152618.3(BBS12):c.2038_2039delinsAA (p.Val680Lys)

Gene: BBS12 (Bardet-Biedl syndrome 12; plus strand). Cytogenetic location: 4q27.
Variant type: Indel.
Coding change: c.2038_2039delinsAA on transcript NM_152618.3 (MANE Select); coding-DNA positions 2038 to 2039, GT replaced by AA.
Protein change: p.Val680Lys; replaces valine 680 with lysine.
Molecular consequence: missense variant.
Genome position (GRCh38, 1-based): chr4:122,743,930-122,743,931, GT replaced by AA. VCF-style: chr4-122743930-GT-AA. GRCh37 (hg19) VCF-style: chr4-123665085-GT-AA.
Other names: c.2038_2039delinsAA, p.Val680Lys (NM_001178007.2); short protein forms V680K.
Identifiers: ClinVar variation 2134844 (VCV002134844.2), dbSNP rs2485078811, ClinGen allele CA2580071575.